The following is an entry in ClinVar:

ClinVar aggregate classification (germline): Uncertain significance (1 of 4 stars; one submission).

Conditions:
Familial sleep-related hypermotor epilepsy. Also called: Autosomal Dominant Sleep-Related Hypermotor (Hyperkinetic) Epilepsy. Identifiers: Orphanet 98784, MedGen C3696898, MONDO:0000030.

Submission:

Labcorp Genetics (formerly Invitae), Labcorp
Classification: Uncertain significance. Last evaluated: 2024-02-12. Review status: criteria provided, single submitter. Criteria: Invitae Variant Classification Sherloc (09022015). Collection method: clinical testing. Allele origin: germline.
Comment: This sequence change falls in intron 2 of the CHRNA2 gene. It does not directly change the encoded amino acid sequence of the CHRNA2 protein. This variant is not present in population databases (gnomAD no frequency). This variant has not been reported in the literature in individuals affected with CHRNA2-related conditions. Algorithms developed to predict the effect of sequence changes on RNA splicing suggest that this variant may disrupt the consensus splice site. In summary, the available evidence is currently insufficient to determine the role of this variant in disease. Therefore, it has been classified as a Variant of Uncertain Significance.

NM_000742.4(CHRNA2):c.74-14T>A

Gene: CHRNA2 (cholinergic receptor nicotinic alpha 2 subunit; minus strand). Cytogenetic location: 8p21.2.
Variant type: single nucleotide variant.
Coding change: c.74-14T>A on transcript NM_000742.4 (MANE Select); 14 bases into the intron before coding-DNA position 74, T replaced by A.
Molecular consequence: intron variant.
Genome position (GRCh38, 1-based): chr8:27,469,995, A>T on the plus strand (T>A on the coding strand, the complement: CHRNA2 is on the minus strand). VCF-style: chr8-27469995-A-T. GRCh37 (hg19) VCF-style: chr8-27327512-A-T.
Other names: c.-354-14T>A (NM_001347705.2); c.74-14T>A (NM_001282455.2); c.-388-14T>A (NM_001347708.2); c.-399-14T>A (NM_001347706.2); c.-340-14T>A (NM_001347707.2).
Identifiers: ClinVar variation 3631560 (VCV003631560.2).